The following is an entry in ClinVar:

NM_001330260.2(SCN8A):c.3820-7T>C

Gene: SCN8A (sodium voltage-gated channel alpha subunit 8; plus strand). Cytogenetic location: 12q13.13.
Variant type: single nucleotide variant.
Coding change: c.3820-7T>C on transcript NM_001330260.2 (MANE Select); 7 bases into the intron before coding-DNA position 3820, T replaced by C.
Molecular consequence: intron variant.
Genome position (GRCh38, 1-based): chr12:51,780,642, T>C. VCF-style: chr12-51780642-T-C. GRCh37 (hg19) VCF-style: chr12-52174426-T-C.
Other names: c.3820-7T>C (NM_014191.4); c.3820-5900T>C (NM_001177984.3, NM_001369788.1).
Identifiers: ClinVar variation 461341 (VCV000461341.21), dbSNP rs375785915, ClinGen allele CA6571714.
Genomic context (GRCh38, chr12:51,780,642, plus strand): 5'-TTTTTTTTTTTTTTTTTTTTTTTGGTTACCTTTTTTGTTTTTGTTTTTCTCTTCTGTTTC[T>C]GTGTAGGTCTCTTTAGTCAGCCTTATAGCTAATGCCCTGGGCTACTCGGAACTAGGTGCC-3'

ClinVar aggregate classification (germline): Benign/Likely benign. Review status: criteria provided, multiple submitters, no conflicts (2 of 4 stars). 4 submissions from 4 submitters: Benign (1); Likely benign (2). 1 of the submissions does not count toward it. Last evaluated 2025-12-22.

Conditions:
Early-infantile DEE. Also called: Early infantile epileptic encephalopathy with suppression bursts; Early infantile epileptic encephalopathy; Ohtahara syndrome. Identifiers: Orphanet 1934, MedGen C0393706, MONDO:0800491.
SCN8A-related disorder.

Allele frequency attached by ClinVar (database versions not stated): gnomAD exomes 0.00002 and 0.00007; ESP Exome Variant Server 0.00008; gnomAD 0.00019 and 0.00022; ExAC 0.00020; TOPMed 0.00028; 1000 Genomes Project 0.00040; 1000 Genomes Project 30x 0.00047.
gnomAD v4.1: 56 of 1,448,076 alleles (0.0039%); highest among the groups gnomAD compares: African/African-American, 0.061%; no homozygotes.

Submissions (4):

Labcorp Genetics (formerly Invitae), Labcorp
Classification: Likely benign for Early-infantile DEE. Last evaluated: 2025-12-22. Review status: criteria provided, single submitter. Criteria: Invitae Variant Classification Sherloc (09022015). Collection method: clinical testing. Allele origin: germline.

Women's Health and Genetics/Laboratory Corporation of America, LabCorp
Classification: Likely benign. Last evaluated: 2025-04-30. Review status: criteria provided, single submitter. Criteria: LabCorp Variant Classification Summary - May 2015. Collection method: clinical testing. Allele origin: germline.

GeneDx
Classification: Benign. Last evaluated: 2015-03-03. Review status: criteria provided, single submitter. Criteria: GeneDx Variant Classification Process June 2021. Collection method: clinical testing. Allele origin: germline. Affected: yes.

PreventionGenetics, part of Exact Sciences
Classification: Likely benign for SCN8A-related condition. Last evaluated: 2019-06-26. Review status: no assertion criteria provided. Collection method: clinical testing. Allele origin: germline. Not counted in ClinVar's aggregate classification.
Comment: This variant is classified as likely benign based on ACMG/AMP sequence variant interpretation guidelines (Richards et al. 2015 PMID: 25741868, with internal and published modifications).